The following is an entry in ClinVar:

ClinVar aggregate classification (germline): Uncertain significance (1 of 4 stars; one submission).

Conditions:
Menkes kinky-hair syndrome (MNK). Also called: Copper transport disease; Menkes Disease; Classic Menkes Disease. Identifiers: Orphanet 565, MedGen C0022716, MONDO:0010651, OMIM 309400.
Cutis laxa, X-linked (OHS). Also called: EDS IX; Occipital horn syndrome. Identifiers: Orphanet 198, MedGen C0268353, MONDO:0010572, OMIM 304150.
X-linked distal spinal muscular atrophy type 3. Also called: ATP7A-Related Distal Motor Neuropathy; SPINAL MUSCULAR ATROPHY, DISTAL, X-LINKED RECESSIVE; NEURONOPATHY, DISTAL HEREDITARY MOTOR, X-LINKED; NEUROPATHY, DISTAL HEREDITARY MOTOR, X-LINKED. Identifiers: Orphanet 139557, MedGen C1845359, MONDO:0010338, OMIM 300489.

Allele frequency attached by ClinVar (database versions not stated): gnomAD exomes below 0.00001.
gnomAD v4.1: 2 of 1,211,056 alleles (0.00017%); highest among the groups gnomAD compares: Non-Finnish European, 0.00022%; no homozygotes.

Submission:

Labcorp Genetics (formerly Invitae), Labcorp
Classification: Uncertain significance for X-linked distal spinal muscular atrophy type 3; Cutis laxa, X-linked; Menkes kinky-hair syndrome. Last evaluated: 2024-06-01. Review status: criteria provided, single submitter. Criteria: Invitae Variant Classification Sherloc (09022015). Collection method: clinical testing. Allele origin: germline.
Comment: This sequence change replaces phenylalanine, which is neutral and non-polar, with serine, which is neutral and polar, at codon 660 of the ATP7A protein (p.Phe660Ser). This variant is not present in population databases (gnomAD no frequency). This variant has not been reported in the literature in individuals affected with ATP7A-related conditions. Advanced modeling of protein sequence and biophysical properties (such as structural, functional, and spatial information, amino acid conservation, physicochemical variation, residue mobility, and thermodynamic stability) has been performed at Invitae for this missense variant, however the output from this modeling did not meet the statistical confidence thresholds required to predict the impact of this variant on ATP7A protein function. In summary, the available evidence is currently insufficient to determine the role of this variant in disease. Therefore, it has been classified as a Variant of Uncertain Significance.

NM_000052.7(ATP7A):c.1979T>C (p.Phe660Ser)

Gene: ATP7A (ATPase copper transporting alpha; plus strand). Cytogenetic location: Xq21.1.
Variant type: single nucleotide variant.
Coding change: c.1979T>C on transcript NM_000052.7 (MANE Select); coding-DNA position 1979, T replaced by C.
Protein change: p.Phe660Ser; replaces phenylalanine 660 with serine.
Molecular consequence: missense variant.
Genome position (GRCh38, 1-based): chrX:78,011,481, T>C. VCF-style: chrX-78011481-T-C. GRCh37 (hg19) VCF-style: chrX-77266978-T-C.
Other names: c.1979T>C, p.Phe660Ser (NM_001282224.2); short protein forms F660S.
Identifiers: ClinVar variation 2941721 (VCV002941721.3), dbSNP rs920452357, ClinGen allele CA331096837.